The following is an entry in ClinVar:

NM_001379286.1(ZNF423):c.1986C>T (p.His662=)

Gene: ZNF423 (zinc finger protein 423; minus strand). Cytogenetic location: 16q12.1.
Variant type: single nucleotide variant.
Coding change: c.1986C>T on transcript NM_001379286.1 (MANE Select); coding-DNA position 1986, C replaced by T.
Protein change: p.His662=; no amino-acid change (histidine 662 retained).
Molecular consequence: synonymous variant.
Genome position (GRCh38, 1-based): chr16:49,637,190, G>A on the plus strand (C>T on the coding strand, the complement: ZNF423 is on the minus strand). VCF-style: chr16-49637190-G-A. GRCh37 (hg19) VCF-style: chr16-49671101-G-A.
Other names: c.1782C>T, p.His594= (NM_001271620.2); c.1611C>T, p.His537= (NM_001330533.2); c.1962C>T, p.His654= (NM_015069.5).
Identifiers: ClinVar variation 197816 (VCV000197816.49), dbSNP rs75294107, ClinGen allele CA203103.

ClinVar aggregate classification (germline): Benign/Likely benign. Review status: criteria provided, multiple submitters, no conflicts (2 of 4 stars). 6 submissions from 6 submitters: Benign (3); Likely benign (3). Last evaluated 2026-09-01.

Conditions:
Nephronophthisis 14 (NPHP14). Identifiers: Orphanet 2318, MedGen C3539071, MONDO:0013916, OMIM 614844.

Allele frequency attached by ClinVar (database versions not stated): 1000 Genomes Project 0.00060; 1000 Genomes Project 30x 0.00094; TOPMed 0.00450; gnomAD 0.00453 and 0.00469; ESP Exome Variant Server 0.00669.
gnomAD v4.1: 11,435 of 1,613,938 alleles (0.71%); highest among the groups gnomAD compares: Non-Finnish European, 0.85%; 61 homozygotes.

Submissions (6):

CeGaT Center for Human Genetics Tuebingen
Classification: Likely benign. Last evaluated: 2026-09-01. Review status: criteria provided, single submitter. Criteria: CeGaT Center For Human Genetics Tuebingen Variant Classification Criteria Version 2. Collection method: clinical testing. Allele origin: germline. Affected: yes. Observed: 15 variant alleles.
Comment: ZNF423: BP4, BP7, BS2

Labcorp Genetics (formerly Invitae), Labcorp
Classification: Benign for Nephronophthisis 14. Last evaluated: 2026-01-27. Review status: criteria provided, single submitter. Criteria: Invitae Variant Classification Sherloc (09022015). Collection method: clinical testing. Allele origin: germline.

Genome-Nilou Lab
Classification: Benign for Nephronophthisis 14. Last evaluated: 2021-12-05. Review status: criteria provided, single submitter. Criteria: ACMG Guidelines, 2015. Collection method: clinical testing. Allele origin: germline. Affected: no.

Eurofins Ntd Llc (ga)
Classification: Benign. Last evaluated: 2014-10-17. Review status: criteria provided, single submitter. Criteria: EGL Classification Definitions 2015. Collection method: clinical testing. Allele origin: germline. Observed: 2 variant alleles, 2 heterozygotes.

Breakthrough Genomics
Classification: Likely benign. Review status: criteria provided, single submitter. Criteria: ACMG Guidelines, 2015. Collection method: not provided. Allele origin: germline. Inheritance: Autosomal dominant inheritance. Affected: yes.

PreventionGenetics, part of Exact Sciences
Classification: Likely benign. Review status: criteria provided, single submitter. Criteria: ACMG Guidelines, 2015. Collection method: clinical testing. Allele origin: germline.